The following is an entry in ClinVar:

NM_014000.3(VCL):c.2864del (p.Leu954_Leu955insTer)

Gene: VCL (vinculin; plus strand). Cytogenetic location: 10q22.2.
Variant type: Deletion.
Coding change: c.2864del on transcript NM_014000.3 (MANE Select); coding-DNA position 2864, one base deleted (T; older notation c.2864delT).
Protein change: p.Leu954_Leu955insTer.
Molecular consequence: nonsense. On other transcripts: intron variant (1).
Genome position (GRCh38, 1-based): chr10:74,112,027, T deleted; the last of 2 consecutive T bases (chr10:74,112,026-74,112,027); deleting either gives the same sequence. VCF-style (leftmost placement, unchanged base first): chr10-74112025-GT-G. GRCh37 (hg19) VCF-style: chr10-75871783-GT-G.
Other names: c.2746-2157del (NM_003373.4).
Identifiers: ClinVar variation 3663373 (VCV003663373.2).

ClinVar aggregate classification (germline): Uncertain significance (1 of 4 stars; one submission).

Conditions:
Dilated cardiomyopathy 1W (CMD1W). Identifiers: Orphanet 154, MedGen C1969639, MONDO:0012667, OMIM 611407.

Submission:

Labcorp Genetics (formerly Invitae), Labcorp
Classification: Uncertain significance for Dilated cardiomyopathy 1W. Last evaluated: 2024-08-24. Review status: criteria provided, single submitter. Criteria: Invitae Variant Classification Sherloc (09022015). Collection method: clinical testing. Allele origin: germline.
Comment: This sequence change creates a premature translational stop signal (p.Leu955*) in the VCL gene. It is expected to result in an absent or disrupted protein product. However, the current clinical and genetic evidence is not sufficient to establish whether loss-of-function variants in VCL cause disease. This variant is not present in population databases (gnomAD no frequency). This variant has not been reported in the literature in individuals affected with VCL-related conditions. Algorithms developed to predict the effect of sequence changes on RNA splicing suggest that this variant may disrupt the consensus splice site. In summary, the available evidence is currently insufficient to determine the role of this variant in disease. Therefore, it has been classified as a Variant of Uncertain Significance.